The following is an entry in ClinVar:

NM_002049.4(GATA1):c.35C>G (p.Ser12Ter)

Gene: GATA1 (GATA binding protein 1; plus strand). Cytogenetic location: Xp11.23.
Variant type: single nucleotide variant.
Coding change: c.35C>G on transcript NM_002049.4 (MANE Select); coding-DNA position 35, C replaced by G.
Protein change: p.Ser12Ter; replaces serine 12 with a stop codon.
Molecular consequence: nonsense.
Genome position (GRCh38, 1-based): chrX:48,791,144, C>G. VCF-style: chrX-48791144-C-G. GRCh37 (hg19) VCF-style: chrX-48649551-C-G.
Other names: short protein forms S12*.
Identifiers: ClinVar variation 952388 (VCV000952388.10), dbSNP rs2062673416, ClinGen allele CA412866733.

ClinVar aggregate classification (germline): Pathogenic/Likely pathogenic. Review status: criteria provided, multiple submitters, no conflicts (2 of 4 stars). 3 submissions from 3 submitters: Pathogenic (1); Likely pathogenic (2). Last evaluated 2023-09-28.

Conditions:
GATA1-related disorder. Also called: GATA1-related condition.
Diamond-Blackfan anemia. Also called: Blackfan Diamond syndrome; Aregenerative anemia chronic congenital; Red cell aplasia, pure hereditary; Congenital hypoplastic anemia; Aase syndrome. Identifiers: Orphanet 124, MedGen C1260899, MeSH D029503, MONDO:0015253, HP:0004810.
GATA binding protein 1 related thrombocytopenia with dyserythropoiesis. Also called: GATA1-Related X-Linked Cytopenia; GATA1-Related Cytopenia. Identifiers: MedGen C1845837, MONDO:0100089.
Beta-thalassemia-X-linked thrombocytopenia syndrome. Also called: THROMBOCYTOPENIA WITH BETA-THALASSEMIA, X-LINKED. Identifiers: Orphanet 231393, MedGen C1839161, MONDO:0010745, OMIM 314050.
Down syndrome (DS). Also called: T21. Identifiers: Orphanet 870, MedGen C0013080, MONDO:0008608, OMIM 190685. Disease mechanism: Meiosis non dynjunction. Inheritance: Chromosomal.
Thrombocytopenia, X-linked, with or without dyserythropoietic anemia (XLTDA). Identifiers: Orphanet 67044, MedGen C3550789, MONDO:0010308, OMIM 300367.
X-linked dyserythropoetic anemia with abnormal platelets and neutropenia. Also called: ANEMIA, X-LINKED, WITH OR WITHOUT NEUTROPENIA AND/OR PLATELET ABNORMALITIES. Identifiers: Orphanet 363727, MedGen C3550856, MONDO:0010444, OMIM 300835.

Submissions (3):

PreventionGenetics, part of Exact Sciences
Classification: Likely pathogenic for GATA1-related condition. Last evaluated: 2023-09-28. Review status: criteria provided, single submitter. Criteria: ACMG Guidelines, 2015. Collection method: clinical testing. Allele origin: germline.
Comment: The GATA1 c.35C>G variant is predicted to result in premature protein termination (p.Ser12*). This variant located in exon 2 which was reported in two individuals with transient abnormal myelopoiesis (TAM) with Down syndrome (Chukua et al. 2019. PubMed ID: 31687255; Camargo et al. 2022. PubMed ID: 35731576). Acquired truncating GATA1 variants, particularly in exon 2, are known to be associated with transient myeloproliferative disorder and megakaryoblastic leukemia in children with Down syndrome (Hitzler et al. 2003. PubMed ID: 12586620; Rainis et al. 2003. PubMed ID: 12649131; Camargo et al. 2022. PubMed ID: 35731576). To our knowledge, this variant has not been reported in the literature or in a large population database, indicating this variant is rare. This variant is interpreted as likely pathogenic/pathogenic in ClinVar. Nonsense variants in GATA1 are expected to be pathogenic. This variant is interpreted as likely pathogenic.

Fulgent Genetics
Classification: Likely pathogenic for Down syndrome; Thrombocytopenia, X-linked, with or without dyserythropoietic anemia; X-linked dyserythropoetic anemia with abnormal platelets and neutropenia; Beta-thalassemia-X-linked thrombocytopenia syndrome. Last evaluated: 2021-07-09. Review status: criteria provided, single submitter. Criteria: ACMG Guidelines, 2015. Collection method: clinical testing. Allele origin: unknown.

Labcorp Genetics (formerly Invitae), Labcorp
Classification: Pathogenic for GATA binding protein 1 related thrombocytopenia with dyserythropoiesis; Diamond-Blackfan anemia. Last evaluated: 2019-06-25. Review status: criteria provided, single submitter. Criteria: Invitae Variant Classification Sherloc (09022015). Collection method: clinical testing. Allele origin: germline.
Comment: For these reasons, this variant has been classified as Pathogenic. Loss-of-function variants in GATA1 are known to be pathogenic (PMID: 16783379, 22706301, 23704091, 24453067). This variant has not been reported in the literature in individuals with GATA1-related conditions. This variant is not present in population databases (ExAC no frequency). This sequence change creates a premature translational stop signal (p.Ser12*) in the GATA1 gene. It is expected to result in an absent or disrupted protein product.

Literature cited by the submitters: PubMed 16783379 (cited by Labcorp Genetics (formerly Invitae), Labcorp); PubMed 22706301 (cited by Labcorp Genetics (formerly Invitae), Labcorp); PubMed 23704091 (cited by Labcorp Genetics (formerly Invitae), Labcorp); PubMed 24453067 (cited by Labcorp Genetics (formerly Invitae), Labcorp).